The following is an entry in ClinVar:

ClinVar aggregate classification (germline): Uncertain significance (1 of 4 stars; one submission).

Conditions:
Cardiovascular phenotype. Identifiers: MedGen CN230736.

Submission:

Ambry Genetics
Classification: Uncertain significance for Cardiovascular phenotype. Last evaluated: 2020-10-14. Review status: criteria provided, single submitter. Criteria: Ambry Variant Classification Scheme 2023. Collection method: clinical testing. Allele origin: germline.
Comment: The c.2179-4A>G intronic alteration results from an A to G substitution 4 nucleotides before coding exon 20 of the ANK2 gene. Based on data from the Genome Aggregation Database (gnomAD), the ANK2 c.2179-4A>G alteration was not observed, with coverage at this position. This nucleotide position is not well conserved in available vertebrate species. In silico splice site analysis predicts that this alteration will not have any significant effect on splicing. Based on insufficient or conflicting evidence, the clinical significance of this alteration remains unclear.

NM_001148.6(ANK2):c.2179-4A>G

Gene: ANK2 (ankyrin 2; plus strand). Cytogenetic location: 4q26.
Variant type: single nucleotide variant.
Coding change: c.2179-4A>G on transcript NM_001148.6 (MANE Select); 4 bases into the intron before coding-DNA position 2179, A replaced by G.
Molecular consequence: intron variant.
Genome position (GRCh38, 1-based): chr4:113,288,384, A>G. VCF-style: chr4-113288384-A-G. GRCh37 (hg19) VCF-style: chr4-114209540-A-G.
Other names: c.2167-4A>G (NM_001386186.2, NM_001386148.2); c.1969-4A>G (NM_001354269.3); c.2143-4A>G (NM_001386187.2); c.2137-4A>G (NM_001386147.1, NM_001386160.1, NM_001354261.2); c.2116-4A>G (NM_001354254.2, NM_001354239.2, NM_001354252.2 and 10 more transcripts); c.2017-4A>G (NM_001354253.2, NM_001354270.2, NM_001354257.2 and 1 more transcripts); c.2092-4A>G (NM_001354249.2, NM_001354266.2, NM_001354276.2 and 10 more transcripts); c.1993-4A>G (NM_001386151.1, NM_001354260.2, NM_001354271.2); and 8 more.
Identifiers: ClinVar variation 180268 (VCV000180268.3), dbSNP rs730880046, ClinGen allele CA346170.